The following is an entry in ClinVar:

NM_024422.6(DSC2):c.2081A>C (p.Lys694Thr)

Gene: DSC2 (desmocollin 2; minus strand). Cytogenetic location: 18q12.1.
Variant type: single nucleotide variant.
Coding change: c.2081A>C on transcript NM_024422.6 (MANE Select); coding-DNA position 2081, A replaced by C.
Protein change: p.Lys694Thr; replaces lysine 694 with threonine.
Molecular consequence: missense variant.
Genome position (GRCh38, 1-based): chr18:31,071,649, T>G on the plus strand (A>C on the coding strand, the complement: DSC2 is on the minus strand). VCF-style: chr18-31071649-T-G. GRCh37 (hg19) VCF-style: chr18-28651615-T-G.
Other names: c.1652A>C, p.Lys551Thr (NM_001406506.1, NM_001406507.1); c.2081A>C, p.Lys694Thr (NM_004949.5); short protein forms K694T, K551T.
Identifiers: ClinVar variation 3640744 (VCV003640744.2).

ClinVar aggregate classification (germline): Uncertain significance (1 of 4 stars; one submission).

Conditions:
Arrhythmogenic right ventricular dysplasia 11. Also called: ARRHYTHMOGENIC RIGHT VENTRICULAR DYSPLASIA, FAMILIAL, 11; Arrhythmogenic Right Ventricular Dysplasia/Cardiomyopathy11; Arrhythmogenic right ventricular dysplasia 11 with mild palmoplantar keratoderma and woolly hair. Identifiers: MedGen C1864850, MONDO:0012506, OMIM 610476.

Submission:

Labcorp Genetics (formerly Invitae), Labcorp
Classification: Uncertain significance for Arrhythmogenic right ventricular dysplasia 11. Last evaluated: 2024-08-15. Review status: criteria provided, single submitter. Criteria: Invitae Variant Classification Sherloc (09022015). Collection method: clinical testing. Allele origin: germline.
Comment: This sequence change replaces lysine, which is basic and polar, with threonine, which is neutral and polar, at codon 694 of the DSC2 protein (p.Lys694Thr). This variant is not present in population databases (gnomAD no frequency). This variant has not been reported in the literature in individuals affected with DSC2-related conditions. Invitae Evidence Modeling of protein sequence and biophysical properties (such as structural, functional, and spatial information, amino acid conservation, physicochemical variation, residue mobility, and thermodynamic stability) indicates that this missense variant is not expected to disrupt DSC2 protein function with a negative predictive value of 80%. In summary, the available evidence is currently insufficient to determine the role of this variant in disease. Therefore, it has been classified as a Variant of Uncertain Significance.